The following is an entry in ClinVar:

ClinVar aggregate classification (germline): Uncertain significance (1 of 4 stars; one submission).

gnomAD v4.1: 18 of 1,614,200 alleles (0.0011%); highest among the groups gnomAD compares: East Asian, 0.038%; no homozygotes.

Submission:

GeneDx
Classification: Uncertain significance. Last evaluated: 2016-05-24. Review status: criteria provided, single submitter. Criteria: GeneDx Variant Classification (06012015). Collection method: clinical testing. Allele origin: germline. Affected: yes.
Comment: The R25G variant in the AGO1 gene has not been reported previously as a pathogenic variant, nor as a benign variant, to our knowledge. The R25G variant was not observed in approximately 6500 individuals of European and African American ancestry in the NHLBI Exome Sequencing Project, indicating it is not a common benign variant in these populations. The R25G variant is a non-conservative amino acid substitution, which is likely to impact secondary protein structure as these residues differ in polarity, charge, size and/or other properties. This substitution occurs at a position that is conserved across species. In silico analysis is inconsistent in its predictions as to whether or not the variant is damaging to the protein structure/function. We interpret R25G as a variant of uncertain significance.

NM_012199.5(AGO1):c.73C>G (p.Arg25Gly)

Gene: AGO1 (argonaute RISC component 1; plus strand). Cytogenetic location: 1p34.3.
Variant type: single nucleotide variant.
Coding change: c.73C>G on transcript NM_012199.5 (MANE Select); coding-DNA position 73, C replaced by G.
Protein change: p.Arg25Gly; replaces arginine 25 with glycine.
Molecular consequence: missense variant. On other transcripts: 5 prime UTR variant (1).
Genome position (GRCh38, 1-based): chr1:35,888,474, C>G. VCF-style: chr1-35888474-C-G. GRCh37 (hg19) VCF-style: chr1-36354075-C-G.
Other names: c.73C>G, p.Arg25Gly (NM_001317122.2); c.-153C>G (NM_001317123.2); short protein forms R25G.
Identifiers: ClinVar variation 386668 (VCV000386668.2), dbSNP rs779432389, ClinGen allele CA16603627.